The following is an entry in ClinVar:

NM_000388.4(CASR):c.1209T>C (p.Ser403=)

Gene: CASR (calcium sensing receptor; plus strand). Cytogenetic location: 3q21.1.
Variant type: single nucleotide variant.
Coding change: c.1209T>C on transcript NM_000388.4 (MANE Select); coding-DNA position 1209, T replaced by C.
Protein change: p.Ser403=; no amino-acid change (serine 403 retained).
Molecular consequence: synonymous variant.
Genome position (GRCh38, 1-based): chr3:122,262,244, T>C. VCF-style: chr3-122262244-T-C. GRCh37 (hg19) VCF-style: chr3-121981091-T-C.
Other names: c.1209T>C, p.Ser403= (NM_001178065.2).
Identifiers: ClinVar variation 64428 (VCV000064428.13), dbSNP rs387907400, ClinGen allele CA216120.

ClinVar aggregate classification (germline): Likely benign. Review status: criteria provided, multiple submitters, no conflicts (2 of 4 stars). 3 submissions from 3 submitters: Likely benign (2). 1 of the submissions does not count toward it. Last evaluated 2021-10-23.

Conditions:
Familial hypocalciuric hypercalcemia (FHH). Also called: Familial benign hypercalcemia. Identifiers: Orphanet 405, MedGen C1809471, MONDO:0018458.
Autosomal dominant hypocalcemia 1 (HYPOC1). Also called: HYPOCALCEMIA, FAMILIAL. Identifiers: MedGen C3715128, MONDO:0011013, OMIM 601198.
Nephrolithiasis/nephrocalcinosis. Identifiers: MedGen CN580796.

gnomAD v4.1: 1 of 1,614,158 alleles (0.000062%); no homozygotes.

Submissions (3):

Labcorp Genetics (formerly Invitae), Labcorp
Classification: Likely benign for Familial hypocalciuric hypercalcemia; Autosomal dominant hypocalcemia 1. Last evaluated: 2021-10-23. Review status: criteria provided, single submitter. Criteria: Invitae Variant Classification Sherloc (09022015). Collection method: clinical testing. Allele origin: germline.

Ambry Genetics
Classification: Likely benign for Nephrolithiasis/nephrocalcinosis. Last evaluated: 2021-05-01. Review status: criteria provided, single submitter. Criteria: Ambry Variant Classification Scheme 2023. Collection method: clinical testing. Allele origin: germline.

Martin Pollak Laboratory,  Beth Israel Deaconess Medical Center
Classification: Uncertain significance. Review status: no assertion criteria provided. Collection method: not provided. Allele origin: unknown. Not counted in ClinVar's aggregate classification.
Comment: Lower and higher UCa2+ groups
ClinVar note: Converted during submission from unknown to Uncertain significance.